The following is an entry in ClinVar:

ClinVar aggregate classification (germline): Uncertain significance. Review status: criteria provided, multiple submitters, no conflicts (2 of 4 stars). 2 submissions from 2 submitters: Uncertain significance (2). Last evaluated 2024-02-21.

Conditions:
Fanconi anemia (FA). Also called: Fanconi's anemia. Identifiers: Orphanet 84, MedGen C0015625, MeSH D005199, MONDO:0019391.
Fanconi anemia complementation group I (FANCI). Also called: FANCI-Related Fanconi Anemia. Identifiers: Orphanet 84, MedGen C1836861, MONDO:0012186, OMIM 609053.

Submissions (2):

Fulgent Genetics
Classification: Uncertain significance for Fanconi anemia complementation group I. Last evaluated: 2024-02-21. Review status: criteria provided, single submitter. Criteria: ACMG Guidelines, 2015. Collection method: clinical testing. Allele origin: germline.

Labcorp Genetics (formerly Invitae), Labcorp
Classification: Uncertain significance for Fanconi anemia. Last evaluated: 2023-03-14. Review status: criteria provided, single submitter. Criteria: Invitae Variant Classification Sherloc (09022015). Collection method: clinical testing. Allele origin: germline.
Comment: This variant has not been reported in the literature in individuals affected with FANCI-related conditions. ClinVar contains an entry for this variant (Variation ID: 1492566). Algorithms developed to predict the effect of missense changes on protein structure and function output the following: SIFT: "Not Available"; PolyPhen-2: "Benign"; Align-GVGD: "Not Available". The threonine amino acid residue is found in multiple mammalian species, which suggests that this missense change does not adversely affect protein function. In summary, the available evidence is currently insufficient to determine the role of this variant in disease. Therefore, it has been classified as a Variant of Uncertain Significance. This sequence change replaces serine, which is neutral and polar, with threonine, which is neutral and polar, at codon 950 of the FANCI protein (p.Ser950Thr). This variant is not present in population databases (gnomAD no frequency).

NM_001113378.2(FANCI):c.2849G>C (p.Ser950Thr)

Gene: FANCI (FA complementation group I; plus strand). Cytogenetic location: 15q26.1.
Variant type: single nucleotide variant.
Coding change: c.2849G>C on transcript NM_001113378.2 (MANE Select); coding-DNA position 2849, G replaced by C.
Protein change: p.Ser950Thr; replaces serine 950 with threonine.
Molecular consequence: missense variant.
Genome position (GRCh38, 1-based): chr15:89,300,345, G>C. VCF-style: chr15-89300345-G-C. GRCh37 (hg19) VCF-style: chr15-89843576-G-C.
Other names: c.2570G>C, p.Ser857Thr (NM_001376910.1); c.2849G>C, p.Ser950Thr (NM_001376911.1); c.2669G>C, p.Ser890Thr (NM_018193.3); short protein forms S890T, S950T, S857T.
Identifiers: ClinVar variation 1492566 (VCV001492566.9), dbSNP rs760327010, ClinGen allele CA393737459.
Genomic context (GRCh38, chr15:89,300,345, plus strand): 5'-CTTTTCCATTCCTAGATGTCACAGATAAGGAAGGAGAAGAGAGAGAAGATGCAGATGTCA[G>C]TGTCACTCAGAGAACAGCATTCCAGATCCGGCAATTTCAGGTGAGAAGCCTTGCAAAGCT-3'
Protein context (NP_001106849.1, residues 940-960): EGEEREDADV[Ser950Thr]VTQRTAFQIR